The following is an entry in ClinVar:

ClinVar aggregate classification (germline): Uncertain significance (1 of 4 stars; one submission).

Conditions:
Hyperkalemic periodic paralysis. Also called: Familial hyperkalemic periodic paralysis; Gamstorp disease. Identifiers: Orphanet 682, MedGen C0238357, MONDO:0008224, OMIM 170500, HP:0007215.

Allele frequency attached by ClinVar (database versions not stated): gnomAD exomes below 0.00001 and 0.00001; ExAC 0.00001.

Submission:

Labcorp Genetics (formerly Invitae), Labcorp
Classification: Uncertain significance for Hyperkalemic periodic paralysis. Last evaluated: 2025-12-15. Review status: criteria provided, single submitter. Criteria: Invitae Variant Classification Sherloc (09022015). Collection method: clinical testing. Allele origin: germline.
Comment: This sequence change replaces leucine, which is neutral and non-polar, with methionine, which is neutral and non-polar, at codon 615 of the SCN4A protein (p.Leu615Met). The frequency data for this variant in the population databases is considered unreliable, as metrics indicate poor data quality at this position in the gnomAD database. This variant has not been reported in the literature in individuals affected with SCN4A-related conditions. ClinVar contains an entry for this variant (Variation ID: 935726). Invitae Evidence Modeling of protein sequence and biophysical properties (such as structural, functional, and spatial information, amino acid conservation, physicochemical variation, residue mobility, and thermodynamic stability) indicates that this missense variant is not expected to disrupt SCN4A protein function with a negative predictive value of 95%. In summary, the available evidence is currently insufficient to determine the role of this variant in disease. Therefore, it has been classified as a Variant of Uncertain Significance.

NM_000334.4(SCN4A):c.1843C>A (p.Leu615Met)

Gene: SCN4A (sodium voltage-gated channel alpha subunit 4; minus strand). Cytogenetic location: 17q23.3.
Variant type: single nucleotide variant.
Coding change: c.1843C>A on transcript NM_000334.4 (MANE Select); coding-DNA position 1843, C replaced by A.
Protein change: p.Leu615Met; replaces leucine 615 with methionine.
Molecular consequence: missense variant.
Genome position (GRCh38, 1-based): chr17:63,961,195, G>T on the plus strand (C>A on the coding strand, the complement: SCN4A is on the minus strand). VCF-style: chr17-63961195-G-T. GRCh37 (hg19) VCF-style: chr17-62038555-G-T.
Other names: short protein forms L615M.
Identifiers: ClinVar variation 935726 (VCV000935726.8), dbSNP rs763346049, ClinGen allele CA8709737.